The following is an entry in ClinVar:

ClinVar aggregate classification (germline): Uncertain significance (1 of 4 stars; one submission).

gnomAD v4.1: 1 of 1,614,074 alleles (0.000062%); no homozygotes.

Submission:

GeneDx
Classification: Uncertain significance. Last evaluated: 2026-08-20. Review status: criteria provided, single submitter. Criteria: GeneDx Variant Classification Process June 2021. Collection method: clinical testing. Allele origin: germline.
Comment: Not observed at significant frequency in large population cohorts (gnomAD); In silico analysis suggests that this missense variant does not alter protein structure/function; Has not been previously published as pathogenic or benign to our knowledge

NM_005618.4(DLL1):c.2113C>A (p.Gln705Lys)

Genes: DLL1 (delta like canonical Notch ligand 1; minus strand), LOC126859913 (P300/CBP strongly-dependent group 1 enhancer GRCh37_chr6:170591232-170592431; plus strand). Cytogenetic location: 6q27.
Variant type: single nucleotide variant.
Coding change: c.2113C>A on transcript NM_005618.4 (MANE Select); coding-DNA position 2113, C replaced by A.
Protein change: p.Gln705Lys; replaces glutamine 705 with lysine.
Molecular consequence: missense variant.
Genome position (GRCh38, 1-based): chr6:170,283,041, G>T on the plus strand (C>A on the coding strand, the complement: DLL1 is on the minus strand). VCF-style: chr6-170283041-G-T. GRCh37 (hg19) VCF-style: chr6-170592129-G-T.
Other names: short protein forms Q705K.
Identifiers: ClinVar variation 3392902 (VCV003392902.2).